The following is an entry in ClinVar:

ClinVar aggregate classification (germline): Uncertain significance (1 of 4 stars; one submission).

Submission:

Labcorp Genetics (formerly Invitae), Labcorp
Classification: Uncertain significance. Last evaluated: 2025-03-09. Review status: criteria provided, single submitter. Criteria: Invitae Variant Classification Sherloc (09022015). Collection method: clinical testing. Allele origin: germline.
Comment: This sequence change replaces proline, which is neutral and non-polar, with threonine, which is neutral and polar, at codon 897 of the AHDC1 protein (p.Pro897Thr). This variant is not present in population databases (gnomAD no frequency). This variant has not been reported in the literature in individuals affected with AHDC1-related conditions. An algorithm developed to predict the effect of missense changes on protein structure and function (PolyPhen-2) suggests that this variant is likely to be disruptive. In summary, the available evidence is currently insufficient to determine the role of this variant in disease. Therefore, it has been classified as a Variant of Uncertain Significance.

NM_001371928.1(AHDC1):c.2689C>A (p.Pro897Thr)

Gene: AHDC1 (AT-hook DNA binding motif containing 1; minus strand). Cytogenetic location: 1p36.11.
Variant type: single nucleotide variant.
Coding change: c.2689C>A on transcript NM_001371928.1 (MANE Select); coding-DNA position 2689, C replaced by A.
Protein change: p.Pro897Thr; replaces proline 897 with threonine.
Molecular consequence: missense variant.
Genome position (GRCh38, 1-based): chr1:27,549,427, G>T on the plus strand (C>A on the coding strand, the complement: AHDC1 is on the minus strand). VCF-style: chr1-27549427-G-T. GRCh37 (hg19) VCF-style: chr1-27875938-G-T.
Other names: c.2689C>A, p.Pro897Thr (NM_001029882.3); short protein forms P897T.
Identifiers: ClinVar variation 4714679 (VCV004714679.1).